The following is an entry in ClinVar:

ClinVar aggregate classification (germline): Likely pathogenic (1 of 4 stars; one submission).

Submission:

Quest Diagnostics Nichols Institute San Juan Capistrano
Classification: Likely pathogenic. Last evaluated: 2020-08-04. Review status: criteria provided, single submitter. Criteria: Quest Diagnostics criteria. Collection method: clinical testing. Allele origin: unknown.
Comment: The variant results in a shift of the reading frame, and is therefore predicted to result in the loss of a functional protein. Not found in the total gnomAD dataset, and the data is high quality.

NM_000059.4(BRCA2):c.5844_5856del (p.Cys1948fs)

Gene: BRCA2 (BRCA2 DNA repair associated; plus strand). Cytogenetic location: 13q13.1.
Variant type: Deletion.
Coding change: c.5844_5856del on transcript NM_000059.4 (MANE Select); coding-DNA positions 5844 to 5856, 13 bases deleted (TGATGTTAGTTTG).
Protein change: p.Cys1948fs; shifts the reading frame from cysteine 1948.
Molecular consequence: frameshift variant.
Genome position (GRCh38, 1-based): chr13:32,340,199-32,340,211, TGATGTTAGTTTG deleted; deleting any 13 consecutive bases within chr13:32,340,196-32,340,211 gives the same sequence; the c. name uses the placement nearest the transcript's 3' end. VCF-style (leftmost placement, unchanged base first): chr13-32340195-CTTGTGATGTTAGT-C. GRCh37 (hg19) VCF-style: chr13-32914332-CTTGTGATGTTAGT-C.
Other names: short protein forms C1948fs.
Identifiers: ClinVar variation 993052 (VCV000993052.1), dbSNP rs2072539817, ClinGen allele CA1139663228.